The following is an entry in ClinVar:

NM_001267550.2(TTN):c.63440C>A (p.Ala21147Asp)

Genes: TTN (titin; minus strand), TTN-AS1 (TTN antisense RNA 1; plus strand). Cytogenetic location: 2q31.2.
Variant type: single nucleotide variant.
Coding change: c.63440C>A on transcript NM_001267550.2 (MANE Select); coding-DNA position 63440, C replaced by A.
Protein change: p.Ala21147Asp; replaces alanine 21147 with aspartic acid.
Molecular consequence: missense variant.
Genome position (GRCh38, 1-based): chr2:178,587,967, G>T on the plus strand (C>A on the coding strand, the complement: TTN is on the minus strand). VCF-style: chr2-178587967-G-T. GRCh37 (hg19) VCF-style: chr2-179452694-G-T.
Other names: c.58517C>A, p.Ala19506Asp (NM_001256850.1); c.36245C>A, p.Ala12082Asp (NM_003319.4); c.55736C>A, p.Ala18579Asp (NM_133378.4); c.36620C>A, p.Ala12207Asp (NM_133432.3); c.36821C>A, p.Ala12274Asp (NM_133437.4); short protein forms A12082D, A12207D, A12274D, A18579D, A19506D, A21147D.
Identifiers: ClinVar variation 3338715 (VCV003338715.1).

ClinVar aggregate classification (germline): Uncertain significance (1 of 4 stars; one submission).

Submission:

GeneDx
Classification: Uncertain significance. Last evaluated: 2023-11-20. Review status: criteria provided, single submitter. Criteria: GeneDx Variant Classification Process June 2021. Collection method: clinical testing. Allele origin: germline. Affected: yes.
Comment: Not observed at significant frequency in large population cohorts (gnomAD); Missense variant in a gene in which most reported pathogenic variants are truncating/loss of function; Has not been previously published as pathogenic or benign to our knowledge